The following is an entry in ClinVar:

ClinVar aggregate classification (germline): Uncertain significance (1 of 4 stars; one submission).

Submission:

Labcorp Genetics (formerly Invitae), Labcorp
Classification: Uncertain significance. Last evaluated: 2025-07-14. Review status: criteria provided, single submitter. Criteria: Invitae Variant Classification Sherloc (09022015). Collection method: clinical testing. Allele origin: germline.
Comment: This sequence change replaces serine, which is neutral and polar, with phenylalanine, which is neutral and non-polar, at codon 285 of the GIPC3 protein (p.Ser285Phe). This variant is not present in population databases (gnomAD no frequency). This variant has not been reported in the literature in individuals affected with GIPC3-related conditions. ClinVar contains an entry for this variant (Variation ID: 1994847). Invitae Evidence Modeling of protein sequence and biophysical properties (such as structural, functional, and spatial information, amino acid conservation, physicochemical variation, residue mobility, and thermodynamic stability) indicates that this missense variant is not expected to disrupt GIPC3 protein function with a negative predictive value of 80%. In summary, the available evidence is currently insufficient to determine the role of this variant in disease. Therefore, it has been classified as a Variant of Uncertain Significance.

NM_133261.3(GIPC3):c.854C>T (p.Ser285Phe)

Gene: GIPC3 (GIPC PDZ domain containing family member 3; plus strand). Cytogenetic location: 19p13.3.
Variant type: single nucleotide variant.
Coding change: c.854C>T on transcript NM_133261.3 (MANE Select); coding-DNA position 854, C replaced by T.
Protein change: p.Ser285Phe; replaces serine 285 with phenylalanine.
Molecular consequence: missense variant. On other transcripts: synonymous variant (1).
Genome position (GRCh38, 1-based): chr19:3,590,105, C>T. VCF-style: chr19-3590105-C-T. GRCh37 (hg19) VCF-style: chr19-3590103-C-T.
Other names: c.867C>T, p.Leu289= (NM_001411144.1); short protein forms S285F.
Identifiers: ClinVar variation 1994847 (VCV001994847.4), dbSNP rs2512427835, ClinGen allele CA403365231.